The following is an entry in ClinVar:

ClinVar aggregate classification (germline): Likely benign. Review status: criteria provided, multiple submitters, no conflicts (2 of 4 stars). 2 submissions from 2 submitters: Likely benign (2). Last evaluated 2025-07-24.

Conditions:
Tuberous sclerosis 2 (TSC2). Identifiers: Orphanet 805, MedGen C1860707, MONDO:0013199, OMIM 613254.
Hereditary cancer-predisposing syndrome. Also called: Neoplastic Syndromes, Hereditary; Hereditary neoplastic syndrome; Hereditary Cancer Syndrome; Tumor predisposition. Identifiers: Orphanet 140162, MedGen C0027672, MeSH D009386, MONDO:0015356.

Submissions (2):

Ambry Genetics
Classification: Likely benign for Hereditary cancer-predisposing syndrome. Last evaluated: 2025-07-24. Review status: criteria provided, single submitter. Criteria: Ambry Variant Classification Scheme 2023. Collection method: clinical testing. Allele origin: germline.

Myriad Genetics, Inc.
Classification: Likely benign for Tuberous sclerosis 2. Last evaluated: 2025-05-20. Review status: criteria provided, single submitter. Criteria: Myriad Autosomal Dominant, Autosomal Recessive and X-Linked Classification Criteria (2023). Collection method: clinical testing. Allele origin: unknown.
Comment: This variant is considered likely benign. This variant is intronic and is not expected to impact mRNA splicing.

NM_000548.5(TSC2):c.2546-4G>T

Gene: TSC2 (TSC complex subunit 2; plus strand). Cytogenetic location: 16p13.3.
Variant type: single nucleotide variant.
Coding change: c.2546-4G>T on transcript NM_000548.5 (MANE Select); 4 bases into the intron before coding-DNA position 2546, G replaced by T.
Molecular consequence: intron variant.
Genome position (GRCh38, 1-based): chr16:2,075,795, G>T. VCF-style: chr16-2075795-G-T. GRCh37 (hg19) VCF-style: chr16-2125796-G-T.
Other names: c.944-4G>T (NM_001406698.1); c.1202-4G>T (NM_001406689.1, NM_001406690.1, NM_001406692.1 and 6 more transcripts); c.1946-4G>T (NM_001406687.1, NM_001406680.1, NM_001406683.1 and 6 more transcripts); c.2546-4G>T (NM_001114382.3, NM_001406663.1, NM_001406664.1 and 7 more transcripts); c.2534-4G>T (NM_001406671.1, NM_001406673.1); c.2084-4G>T (NM_001406681.1); c.2435-4G>T (NM_001406670.1, NM_001318827.2, NM_001406678.1); c.2636-4G>T (NM_001406667.1, NM_001406668.1); and 3 more.
Identifiers: ClinVar variation 4071057 (VCV004071057.2).
Genomic context (GRCh38, chr16:2,075,795, plus strand): 5'-TGTTGGCCTTCAGAGGCGCTGCACGGGACCCCGGCTCCCCTGACCACCCTCTCCATTACC[G>T]CAGCTCTGGCCAGGCTGCCGCACCTCTACAGGAACTTTGCCGCGGAGCAGTATGCCAGTG-3'